The following is an entry in ClinVar:

ClinVar aggregate classification (germline): Uncertain significance (1 of 4 stars; one submission).

Allele frequency attached by ClinVar (database versions not stated): gnomAD exomes below 0.00001; ExAC 0.00001; gnomAD 0.00001; TOPMed 0.00001; ESP Exome Variant Server 0.00008.
gnomAD v4.1: 9 of 1,613,908 alleles (0.00056%); highest among the groups gnomAD compares: Middle Eastern, 0.017%; no homozygotes.

Submission:

Labcorp Genetics (formerly Invitae), Labcorp
Classification: Uncertain significance. Last evaluated: 2022-05-03. Review status: criteria provided, single submitter. Criteria: Invitae Variant Classification Sherloc (09022015). Collection method: clinical testing. Allele origin: germline.
Comment: This sequence change replaces arginine, which is basic and polar, with cysteine, which is neutral and slightly polar, at codon 1785 of the CAD protein (p.Arg1785Cys). This variant is present in population databases (rs142542750, gnomAD 0.003%). This variant has not been reported in the literature in individuals affected with CAD-related conditions. Algorithms developed to predict the effect of missense changes on protein structure and function (SIFT, PolyPhen-2, Align-GVGD) all suggest that this variant is likely to be disruptive. In summary, the available evidence is currently insufficient to determine the role of this variant in disease. Therefore, it has been classified as a Variant of Uncertain Significance.

NM_004341.5(CAD):c.5353C>T (p.Arg1785Cys)

Gene: CAD (carbamoyl-phosphate synthetase 2, aspartate transcarbamylase, and dihydroorotase; plus strand). Cytogenetic location: 2p23.3.
Variant type: single nucleotide variant.
Coding change: c.5353C>T on transcript NM_004341.5 (MANE Select); coding-DNA position 5353, C replaced by T.
Protein change: p.Arg1785Cys; replaces arginine 1785 with cysteine.
Molecular consequence: missense variant.
Genome position (GRCh38, 1-based): chr2:27,239,430, C>T. VCF-style: chr2-27239430-C-T. GRCh37 (hg19) VCF-style: chr2-27462298-C-T.
Other names: c.5164C>T, p.Arg1722Cys (NM_001306079.2); short protein forms R1722C, R1785C.
Identifiers: ClinVar variation 2175154 (VCV002175154.1), dbSNP rs142542750, ClinGen allele CA1573824.